The following is an entry in ClinVar:

NM_000218.3(KCNQ1):c.1697C>T (p.Ser566Phe)

Gene: KCNQ1 (potassium voltage-gated channel subfamily Q member 1; plus strand). Cytogenetic location: 11p15.5.
Variant type: single nucleotide variant.
Coding change: c.1697C>T on transcript NM_000218.3 (MANE Select); coding-DNA position 1697, C replaced by T.
Protein change: p.Ser566Phe; replaces serine 566 with phenylalanine.
Molecular consequence: missense variant.
Genome position (GRCh38, 1-based): chr11:2,776,997, C>T. VCF-style: chr11-2776997-C-T. GRCh37 (hg19) VCF-style: chr11-2798227-C-T.
Other names: c.1697C>T (LRG_287t1); c.1601C>T, p.Ser534Phe (NM_001406836.1); c.1427C>T, p.Ser476Phe (NM_001406837.1); c.1157C>T, p.Ser386Phe (NM_001406838.1); c.1316C>T, p.Ser439Phe (NM_181798.2); short protein forms S566F, S439F, S386F, S476F, S534F.
Identifiers: ClinVar variation 53006 (VCV000053006.37), dbSNP rs199472804, ClinGen allele CA006211.

ClinVar aggregate classification (germline): Pathogenic/Likely pathogenic. Review status: criteria provided, multiple submitters, no conflicts (2 of 4 stars). 15 submissions from 15 submitters: Pathogenic (4); Likely pathogenic (8). 3 of the submissions do not count toward it. Last evaluated 2026-01-27.

Conditions:
KCNQ1-related disorder. Also called: KCNQ1-related condition; KCNQ1-related disorders. Identifiers: MedGen CN239322.
Cardiovascular phenotype. Identifiers: MedGen CN230736.
KCQ1-related disorders.
Familial long QT syndrome (RWS). Also called: Congenital long QT syndrome; Romano-Ward syndrome; VENTRICULAR FIBRILLATION WITH PROLONGED QT INTERVAL. Identifiers: Orphanet 768, MedGen C1141890, MONDO:0019171.
Atrial fibrillation, familial, 3 (ATFB3). Identifiers: MedGen C1837014, MONDO:0011857, OMIM 607554.
Long QT syndrome 1 (LQT1). Identifiers: Orphanet 101016, Orphanet 768, MedGen C4551647, MONDO:0100316, OMIM 192500, MONDO:0008646.
Beckwith-Wiedemann syndrome (BWS). Also called: Exomphalos macroglossia gigantism syndrome; EMG SYNDROME. Identifiers: Orphanet 116, MedGen C0004903, MONDO:0007534, OMIM 130650.
Jervell and Lange-Nielsen syndrome 1 (JLNS1). Also called: CARDIOAUDITORY SYNDROME OF JERVELL AND LANGE-NIELSEN; DEAFNESS, CONGENITAL, AND FUNCTIONAL HEART DISEASE; PROLONGED QT INTERVAL IN EKG AND SUDDEN DEATH; SURDO-CARDIAC SYNDROME. Identifiers: Orphanet 768, Orphanet 90647, MedGen C4551509, MONDO:0024540, OMIM 220400.
Short QT syndrome type 2. Identifiers: Orphanet 51083, MedGen C1865019, MONDO:0012313, OMIM 609621.
Long QT syndrome (LQTS). Identifiers: MedGen C0023976, MeSH D008133, MONDO:0002442. Disease mechanism: loss of function. Inheritance: Various modes of inheritance.

gnomAD v4.1: 12 of 1,614,096 alleles (0.00074%); highest among the groups gnomAD compares: Non-Finnish European, 0.001%; no homozygotes.

Submissions 1 to 5 of 15:

Labcorp Genetics (formerly Invitae), Labcorp
Classification: Pathogenic for Long QT syndrome. Last evaluated: 2026-01-27. Review status: criteria provided, single submitter. Criteria: Invitae Variant Classification Sherloc (09022015). Collection method: clinical testing. Allele origin: germline.
Comment: This sequence change replaces serine, which is neutral and polar, with phenylalanine, which is neutral and non-polar, at codon 566 of the KCNQ1 protein (p.Ser566Phe). This variant is not present in population databases (gnomAD no frequency). This missense change has been observed in individuals with long QT syndrome (PMID: 10973849, 14678125, 17470695, 19716085, 21131640, 22456477, 22949429, 23098067, 27231019; internal data). It has also been observed to segregate with disease in related individuals. ClinVar contains an entry for this variant (Variation ID: 53006). Invitae Evidence Modeling of protein sequence and biophysical properties (such as structural, functional, and spatial information, amino acid conservation, physicochemical variation, residue mobility, and thermodynamic stability) has been performed for this missense variant. However, the output from this modeling did not meet the statistical confidence thresholds required to predict the impact of this variant on KCNQ1 protein function. This variant disrupts the p.Ser566 amino acid residue in KCNQ1. Other variant(s) that disrupt this residue have been observed in individuals with KCNQ1-related conditions (PMID: 15840476, 19716085; internal data), which suggests that this may be a clinically significant amino acid residue. For these reasons, this variant has been classified as Pathogenic.

Rady Children's Institute for Genomic Medicine, Rady Children's Hospital San Diego
Classification: Likely pathogenic for KCQ1-related disorders. Last evaluated: 2025-12-23. Review status: criteria provided, single submitter. Criteria: ACMG Guidelines, 2015. Collection method: clinical testing. Allele origin: germline. Affected: yes.
Comment: The c.1697C>T (p.Ser566Phe) variant affects a highly conserved amino acid and is predicted by multiple in silico tools to have a deleterious effect on protein function. This variant has been previously reported as a heterozygous change in patients with long QT syndrome (PMID: 32893267, 27231019, 10973849, 32893267, 21131640, 22949429, 19841300). Different amino acid changes at the same residue p.(Ser566Tyr) and p.(Ser566Pro) have been previously reported in individuals with long QT syndrome (PMID: 19716085). The c.1697C>T (p.Ser566Phe) variant is present in the latest version of the gnomAD population database at an allele frequency of 0.0007% (12/1614096). Based on the available evidence, c.1697C>T (p.Ser566Phe) is classified as Likely Pathogenic. <b>Gene Information</b>: The KCNQ1 gene is located on chromosome 11p15.5-15.4 and encodes Potassium Voltage-Gated Channel Subfamily Q Member 1, which is required for the repolarization phase of the cardiac action potential (PMID: 25653179). <b>Disease Associations</b>: Multiple cardiac channelopathies, including: autosomal dominant long QT syndrome-1 (LQT1) (MIM: #192500), short QT syndrome-2 (SQT2) (MIM: #609621), atrial fibrillation-3 (ATFB3) (MIM: #607554), and autosomal recessive Jervell and Lange-Nielsen syndrome (JLNS1) (MIM: #220400) <b>Disease Resources</b>: GeneReviews provides additional clinical details and management guidance for long QT syndrome and Jervell and Lange-Nielsen syndrome (PMID: 20301308, 20301579).

Victorian Clinical Genetics Services, Murdoch Childrens Research Institute
Classification: Pathogenic for Long QT syndrome 1. Last evaluated: 2025-08-01. Review status: criteria provided, single submitter. Criteria: ACMG Guidelines, 2015. Collection method: clinical testing. Allele origin: germline.
Comment: This variant is classified as Pathogenic. Evidence in support of pathogenic classification: Variant is present in gnomAD <0.01 (v4: 12 heterozygote(s), 0 homozygote(s)) ; Strong previous evidence of pathogenicity in unrelated individuals. This variant has been classified as pathogenic by clinical laboratories in ClinVar, and reported in multiple individuals with long QT syndrome (PMID: 10973849, 14678125, 17470695, 19716085, 23098067); Other missense variants comparable to the one identified in this case have moderate previous evidence for pathogenicity. p.(Ser566Tyr) and p.(Ser566Pro) have been classified as likely pathogenic and pathogenic by clinical laboratories in ClinVar and/or reported in individuals with long QT syndrome in the literature (PMID: 19716085); Missense variant predicted to be damaging by in silico tool(s) or highly conserved with a major amino acid change. Additional information: Variant is predicted to result in a missense amino acid change from serine to phenylalanine; This variant is heterozygous; This gene is known to be associated with both recessive and dominant disease. JLNS is characterised by congenital, bilateral deafness and variable degrees of QT prolongation, and is the only condition caused by biallelic variants (PMID: 28438721) - Alternative amino acid change(s) at the same position are present in gnomAD (Highest allele count: v4: 1 heterozygote(s), 0 homozygote(s)); Variant is located in the annotated KCNQ voltage-gated potassium channel (DECIPHER); Dominant negative, loss of function and gain of function are known mechanisms of disease in this gene. Gain of function variants result exclusively in short QT syndrome 2 (MIM#609621), while dominant negative and loss of function variants can cause long QT syndrome 1 (LQTS, MIM#192500), familial atrial fibrillation 3 (MIM#607554) as well as Jervell and Lange-Nielsen syndrome (JLNS, MIM#220400) (OMIM, PMIDs: 19632626, 28438721).

Molecular Genetics, Royal Melbourne Hospital
Classification: Pathogenic for Long QT syndrome. Last evaluated: 2025-02-06. Review status: criteria provided, single submitter. Criteria: ACMG Guidelines, 2015. Collection method: clinical testing. Allele origin: germline. Inheritance: Autosomal dominant inheritance. Affected: yes.
Comment: This sequence change in KCNQ1 is predicted to replace serine with phenylalanine at codon 566, p.(Ser566Phe). The serine residue is highly conserved (100 vertebrates, Multiz Alignments) and is located in the C-terminus in an region that interacts with KCNE1. This region (amino acids 509-575) is defined as a mutational hotspot (PMID: 32893267). There is a large physicochemical difference between serine and phenylalanine. The highest population minor allele frequency in the population database gnomAD v4.1 is 0.001% (12/1,179,990 alleles) in the European (non-Finnish) population. This variant has been reported in multiple probands with long QT syndrome and segregates with disease in one family (PMID: 19841300, 27231019, 32893267, 37445499; ClinVar: SCV000074028.14, SCV001714960.2, SCV000234519.9, SCV005399121.1). Computational evidence predicts a deleterious effect for the missense substitution (REVEL = 0.830). Another missense variant, c.1697C>A, p.(Ser566Tyr) in the same codon has been classified as likely pathogenic/pathogenic (ClinVar ID: 53005). Based on the classification scheme RMH Modified ACMG/AMP Guidelines v1.7.1, this variant is classified as PATHOGENIC. Following criteria are met: PS4, PM1_Strong, PM2_Supporting, PP1.

GeneDx
Classification: Likely pathogenic. Last evaluated: 2024-06-27. Review status: criteria provided, single submitter. Criteria: GeneDx Variant Classification Process June 2021. Collection method: clinical testing. Allele origin: germline. Affected: yes.
Comment: Not observed at significant frequency in large population cohorts (gnomAD); In silico analysis supports that this missense variant has a deleterious effect on protein structure/function; This variant is associated with the following publications: (PMID: 22949429, 22581653, 25525159, 17470695, 19841300, 19716085, 14678125, 22956155, 12388934, 23098067, 22456477, 27231019, 21131640, 23631430, 10973849)